The following is an entry in ClinVar:

ClinVar aggregate classification (germline): Pathogenic. Review status: criteria provided, multiple submitters, no conflicts (2 of 4 stars). 2 submissions from 2 submitters: Pathogenic (2). Last evaluated 2024-04-03.

Conditions:
Cobalamin C disease. Also called: Vitamin B12 metabolic defect with combined deficiency of methylmalonyl-CoA mutase and homocysteine:methyltetrahydrofolate methyltransferase; Methylmalonic aciduria with homocystinuria cblC type; methylmalonic aciduria and homocystinuria type cblC; Cobalamin-C methylmalonic acidemia and homocystinuria; Methylmalonic acidemia and homocystinuria cblC type; Methylmalonic aciduria and homocystinuria, Vitamin B12-responsive. Identifiers: Orphanet 26, Orphanet 79282, MedGen C1848561, MONDO:0010184, OMIM 277400.

Submissions (2):

Natera, Inc.
Classification: Pathogenic for Methylmalonic aciduria and homocystinuria cblC type. Last evaluated: 2024-04-03. Review status: criteria provided, single submitter. Criteria: Natera Variant Classification Schema (03/2026). Collection method: clinical testing. Allele origin: germline.
Comment: The c.365A>T variant in MMACHC is a missense variant predicted to cause substitution of histidine to leucine at amino acid 122. This variant is rare in the general population with a frequency below the threshold expected for the associated phenotype(s). This variant has been observed in one or more individuals affected with the associated recessive disease, as either homozygous or compound heterozygous with a second variant (PMID: 20924684, 31574870, 36056359). Additionally, this variant has been observed to segregate in affected family members (PMID: 31574870). Computational prediction algorithms indicate this variant is likely to affect gene or protein function. Given the available evidence, this variant is classified as Pathogenic.

Juno Genomics, Hangzhou Juno Genomics, Inc
Classification: Pathogenic for Cobalamin C disease. Review status: criteria provided, single submitter. Criteria: ACMG Guidelines, 2015. Collection method: clinical testing. Allele origin: germline.
Comment: Absent from controls (or at extremely low frequency if recessive) in Genome Aggregation Database.;Multiple lines of computational evidence support a deleterious effect on the gene or gene product.;For recessive disorders, detected in trans with a pathogenic variant.;Patient's phenotype or family history is highly specific for a disease with a single genetic etiology.

Literature cited by the submitters: PubMed 20924684 (cited by Natera, Inc.); PubMed 31574870 (cited by Natera, Inc.); PubMed 36056359 (cited by Natera, Inc.).

NM_015506.3(MMACHC):c.365A>T (p.His122Leu)

Gene: MMACHC (metabolism of cobalamin associated C; plus strand). Cytogenetic location: 1p34.1.
Variant type: single nucleotide variant.
Coding change: c.365A>T on transcript NM_015506.3 (MANE Select); coding-DNA position 365, A replaced by T.
Protein change: p.His122Leu; replaces histidine 122 with leucine.
Molecular consequence: missense variant.
Genome position (GRCh38, 1-based): chr1:45,508,300, A>T. VCF-style: chr1-45508300-A-T. GRCh37 (hg19) VCF-style: chr1-45973972-A-T.
Other names: c.194A>T, p.His65Leu (NM_001330540.2); short protein forms H122L, H65L.
Identifiers: ClinVar variation 4815867 (VCV004815867.3).